The following is an entry in ClinVar:

ClinVar aggregate classification (germline): Uncertain significance (1 of 4 stars; one submission).

Conditions:
Hereditary breast ovarian cancer syndrome. Also called: Hereditary breast and ovarian cancer syndrome; Hereditary breast and/or ovarian cancer syndrome; BRCA1- and BRCA2-Associated Hereditary Breast and Ovarian Cancer; Hereditary breast and ovarian cancer syndrome (HBOC); Hereditary breast and ovarian cancer; Breast and ovarian cancer. Identifiers: Orphanet 145, MedGen C0677776, MeSH D061325, MONDO:0003582. Disease mechanism: loss of function.

Submission:

Labcorp Genetics (formerly Invitae), Labcorp
Classification: Uncertain significance for Hereditary breast ovarian cancer syndrome. Last evaluated: 2023-04-28. Review status: criteria provided, single submitter. Criteria: Invitae Variant Classification Sherloc (09022015). Collection method: clinical testing. Allele origin: germline.
Comment: Advanced modeling of protein sequence and biophysical properties (such as structural, functional, and spatial information, amino acid conservation, physicochemical variation, residue mobility, and thermodynamic stability) performed at Invitae indicates that this missense variant is not expected to disrupt BRCA2 protein function. This variant has not been reported in the literature in individuals affected with BRCA2-related conditions. This variant is not present in population databases (gnomAD no frequency). This sequence change replaces serine, which is neutral and polar, with tyrosine, which is neutral and polar, at codon 1746 of the BRCA2 protein (p.Ser1746Tyr). In summary, the available evidence is currently insufficient to determine the role of this variant in disease. Therefore, it has been classified as a Variant of Uncertain Significance.

NM_000059.4(BRCA2):c.5237C>A (p.Ser1746Tyr)

Gene: BRCA2 (BRCA2 DNA repair associated; plus strand). Cytogenetic location: 13q13.1.
Variant type: single nucleotide variant.
Coding change: c.5237C>A on transcript NM_000059.4 (MANE Select); coding-DNA position 5237, C replaced by A.
Protein change: p.Ser1746Tyr; replaces serine 1746 with tyrosine.
Molecular consequence: missense variant. On other transcripts: non-coding transcript variant (1), intron variant (2).
Genome position (GRCh38, 1-based): chr13:32,339,592, C>A. VCF-style: chr13-32339592-C-A. GRCh37 (hg19) VCF-style: chr13-32913729-C-A.
Other names: c.5237C>A, p.Ser1746Tyr (NM_001406719.1, NM_001406720.1); c.1910-4966C>A (NM_001406721.1); c.425-4966C>A (NM_001406722.1); short protein forms S1746Y.
Identifiers: ClinVar variation 2860489 (VCV002860489.3), dbSNP rs2137515447, ClinGen allele CA387784675.